The following is an entry in ClinVar:

ClinVar aggregate classification (germline): Uncertain significance (1 of 4 stars; one submission).

Conditions:
Gastrointestinal stromal tumor. Also called: Gastrointestinal stroma tumor; Gastrointestinal stromal tumor, somatic. Identifiers: Orphanet 44890, MedGen C0238198, MeSH D046152, MONDO:0011719, OMIM 606764, HP:0100723.

Submission:

Labcorp Genetics (formerly Invitae), Labcorp
Classification: Uncertain significance for Gastrointestinal stromal tumor. Last evaluated: 2022-07-02. Review status: criteria provided, single submitter. Criteria: Invitae Variant Classification Sherloc (09022015). Collection method: clinical testing. Allele origin: germline.
Comment: In summary, the available evidence is currently insufficient to determine the role of this variant in disease. Therefore, it has been classified as a Variant of Uncertain Significance. Algorithms developed to predict the effect of missense changes on protein structure and function are either unavailable or do not agree on the potential impact of this missense change (SIFT: "Deleterious"; PolyPhen-2: "Benign"; Align-GVGD: "Class C25"). This variant has not been reported in the literature in individuals affected with KIT-related conditions. This variant is not present in population databases (gnomAD no frequency). This sequence change replaces valine, which is neutral and non-polar, with leucine, which is neutral and non-polar, at codon 852 of the KIT protein (p.Val852Leu).

NM_000222.3(KIT):c.2554G>C (p.Val852Leu)

Gene: KIT (KIT proto-oncogene, receptor tyrosine kinase; plus strand). Cytogenetic location: 4q12.
Variant type: single nucleotide variant.
Coding change: c.2554G>C on transcript NM_000222.3 (MANE Select); coding-DNA position 2554, G replaced by C.
Protein change: p.Val852Leu; replaces valine 852 with leucine.
Molecular consequence: missense variant.
Genome position (GRCh38, 1-based): chr4:54,736,567, G>C. VCF-style: chr4-54736567-G-C. GRCh37 (hg19) VCF-style: chr4-55602733-G-C.
Other names: c.2542G>C, p.Val848Leu (NM_001093772.2, NM_001385292.1); c.2557G>C, p.Val853Leu (NM_001385284.1); c.2551G>C, p.Val851Leu (NM_001385285.1); c.2539G>C, p.Val847Leu (NM_001385286.1); c.2545G>C, p.Val849Leu (NM_001385288.1); c.2554G>C, p.Val852Leu (NM_001385290.1); short protein forms V848L, V851L, V852L, V849L, V853L, V847L.
Identifiers: ClinVar variation 2013291 (VCV002013291.4), dbSNP rs555650901, ClinGen allele CA356913260.